The following is an entry in ClinVar:

ClinVar aggregate classification (germline): Uncertain significance. Review status: criteria provided, multiple submitters, no conflicts (2 of 4 stars). 2 submissions from 2 submitters: Uncertain significance (2). Last evaluated 2025-12-16.

Conditions:
Glycine encephalopathy. Also called: Nonketotic hyperglycinemia; Non-ketotic hyperglycinemia. Identifiers: Orphanet 407, MedGen C0751748, MONDO:0011612, HP:0008288.

gnomAD v4.1: 7 of 1,600,014 alleles (0.00044%); highest among the groups gnomAD compares: Non-Finnish European, 0.0006%; no homozygotes.

Submissions (2):

Labcorp Genetics (formerly Invitae), Labcorp
Classification: Uncertain significance for Glycine encephalopathy. Last evaluated: 2025-12-16. Review status: criteria provided, single submitter. Criteria: Invitae Variant Classification Sherloc (09022015). Collection method: clinical testing. Allele origin: germline.
Comment: This sequence change replaces leucine, which is neutral and non-polar, with valine, which is neutral and non-polar, at codon 387 of the GLDC protein (p.Leu387Val). This variant is present in population databases (rs746083772, gnomAD 0.002%). This variant has not been reported in the literature in individuals affected with GLDC-related conditions. Invitae Evidence Modeling of protein sequence and biophysical properties (such as structural, functional, and spatial information, amino acid conservation, physicochemical variation, residue mobility, and thermodynamic stability) indicates that this missense variant is expected to disrupt GLDC protein function with a positive predictive value of 95%. In summary, the available evidence is currently insufficient to determine the role of this variant in disease. Therefore, it has been classified as a Variant of Uncertain Significance.

GeneDx
Classification: Uncertain significance. Last evaluated: 2025-06-03. Review status: criteria provided, single submitter. Criteria: GeneDx Variant Classification Process June 2021. Collection method: clinical testing. Allele origin: germline. Affected: yes.
Comment: Not observed at significant frequency in large population cohorts (gnomAD); In silico analysis supports that this missense variant has a deleterious effect on protein structure/function; Has not been previously published as pathogenic or benign to our knowledge

NM_000170.3(GLDC):c.1159C>G (p.Leu387Val)

Gene: GLDC (glycine decarboxylase; minus strand). Cytogenetic location: 9p24.1.
Variant type: single nucleotide variant.
Coding change: c.1159C>G on transcript NM_000170.3 (MANE Select); coding-DNA position 1159, C replaced by G.
Protein change: p.Leu387Val; replaces leucine 387 with valine.
Molecular consequence: missense variant.
Genome position (GRCh38, 1-based): chr9:6,595,116, G>C on the plus strand (C>G on the coding strand, the complement: GLDC is on the minus strand). VCF-style: chr9-6595116-G-C. GRCh37 (hg19) VCF-style: chr9-6595116-G-C.
Other names: short protein forms L387V.
Identifiers: ClinVar variation 4536360 (VCV004536360.2).